The following is an entry in ClinVar:

NM_001844.5(COL2A1):c.1543C>T (p.Arg515Cys)

Gene: COL2A1 (collagen type II alpha 1 chain; minus strand). Cytogenetic location: 12q13.11.
Variant type: single nucleotide variant.
Coding change: c.1543C>T on transcript NM_001844.5 (MANE Select); coding-DNA position 1543, C replaced by T.
Protein change: p.Arg515Cys; replaces arginine 515 with cysteine.
Molecular consequence: missense variant.
Genome position (GRCh38, 1-based): chr12:47,985,950, G>A on the plus strand (C>T on the coding strand, the complement: COL2A1 is on the minus strand). VCF-style: chr12-47985950-G-A. GRCh37 (hg19) VCF-style: chr12-48379733-G-A.
Other names: c.1336C>T, p.Arg446Cys (NM_033150.3); c.1543C>T (NM_001844.4); short protein forms R515C, R446C.
Identifiers: ClinVar variation 287186 (VCV000287186.9), dbSNP rs886043589, ClinGen allele CA10605694.
Genomic context (GRCh38, chr12:47,985,950, plus strand): 5'-CAGCCCCTCTTCTCCCACTCACCTTGGGACCTGCCAGACCATCTTGACCTGGGAAACCGC[G>A]GTTGCCGGGAGCACCCTAAGGAGCCACAGGGAGGAGAGGCAGTGAGTGAGAACAGCCCCA-3'
Protein context (NP_001835.3, residues 505-525): PPGERGAPGN[Arg515Cys]GFPGQDGLAG

ClinVar aggregate classification (germline): Uncertain significance. Review status: criteria provided, multiple submitters, no conflicts (2 of 4 stars). 3 submissions from 3 submitters: Uncertain significance (3). Last evaluated 2024-12-22.

Allele frequency attached by ClinVar (database versions not stated): gnomAD exomes below 0.00001; TOPMed below 0.00001; gnomAD 0.00001.
gnomAD v4.1: 4 of 1,551,542 alleles (0.00026%); highest among the groups gnomAD compares: Admixed American, 0.002%; no homozygotes.

Submissions (3):

GeneDx
Classification: Uncertain significance. Last evaluated: 2024-12-22. Review status: criteria provided, single submitter. Criteria: GeneDx Variant Classification Process June 2021. Collection method: clinical testing. Allele origin: germline. Affected: yes.
Comment: Reported in a patient with early-onset osteoarthritis submitted to the LOVD database; however, detailed clinical information was not provided (PMID: 26443184); Not observed at significant frequency in large population cohorts (gnomAD); In silico analysis supports that this missense variant has a deleterious effect on protein structure/function; Occurs in the triple helical domain at the Y position in the canonical Gly-X-Y repeat; although this variant may have an effect on normal protein folding and function, missense substitution at the Y position is not a common mechanism of disease (HGMD); This variant is associated with the following publications: (PMID: 31755234, 26443184)

Labcorp Genetics (formerly Invitae), Labcorp
Classification: Uncertain significance. Last evaluated: 2024-12-15. Review status: criteria provided, single submitter. Criteria: Invitae Variant Classification Sherloc (09022015). Collection method: clinical testing. Allele origin: germline.
Comment: This sequence change replaces arginine, which is basic and polar, with cysteine, which is neutral and slightly polar, at codon 515 of the COL2A1 protein (p.Arg515Cys). This variant is not present in population databases (gnomAD no frequency). This missense change has been observed in individual(s) with early onset osteoarthritis (PMID: 26443184). ClinVar contains an entry for this variant (Variation ID: 287186). Invitae Evidence Modeling of protein sequence and biophysical properties (such as structural, functional, and spatial information, amino acid conservation, physicochemical variation, residue mobility, and thermodynamic stability) indicates that this missense variant is expected to disrupt COL2A1 protein function with a positive predictive value of 80%. In summary, the available evidence is currently insufficient to determine the role of this variant in disease. Therefore, it has been classified as a Variant of Uncertain Significance.

Eurofins Ntd Llc (ga)
Classification: Uncertain significance. Last evaluated: 2016-04-19. Review status: criteria provided, single submitter. Criteria: EGL Classification Definitions 2015. Collection method: clinical testing. Allele origin: germline. Observed: 1 variant allele, 1 homozygote.

Literature cited by the submitters: PubMed 26443184 (cited by Labcorp Genetics (formerly Invitae), Labcorp).